The following is an entry in ClinVar:

NM_001458.5(FLNC):c.3794T>G (p.Val1265Gly)

Gene: FLNC (filamin C; plus strand). Cytogenetic location: 7q32.1.
Variant type: single nucleotide variant.
Coding change: c.3794T>G on transcript NM_001458.5 (MANE Select); coding-DNA position 3794, T replaced by G.
Protein change: p.Val1265Gly; replaces valine 1265 with glycine.
Molecular consequence: missense variant.
Genome position (GRCh38, 1-based): chr7:128,845,993, T>G. VCF-style: chr7-128845993-T-G. GRCh37 (hg19) VCF-style: chr7-128486047-T-G.
Other names: c.3794T>G, p.Val1265Gly (NM_001127487.2); short protein forms V1265G.
Identifiers: ClinVar variation 1734971 (VCV001734971.2), dbSNP rs1463862900, ClinGen allele CA369198307.

ClinVar aggregate classification (germline): Uncertain significance (1 of 4 stars; one submission).

Conditions:
Cardiovascular phenotype. Identifiers: MedGen CN230736.

Submission:

Ambry Genetics
Classification: Uncertain significance for Cardiovascular phenotype. Last evaluated: 2022-07-17. Review status: criteria provided, single submitter. Criteria: Ambry Variant Classification Scheme 2023. Collection method: clinical testing. Allele origin: germline.
Comment: The p.V1265G variant (also known as c.3794T>G), located in coding exon 22 of the FLNC gene, results from a T to G substitution at nucleotide position 3794. The valine at codon 1265 is replaced by glycine, an amino acid with dissimilar properties. This amino acid position is conserved. In addition, this alteration is predicted to be deleterious by in silico analysis. Since supporting evidence is limited at this time, the clinical significance of this alteration remains unclear.